The following is an entry in ClinVar:

ClinVar aggregate classification (germline): Uncertain significance. Review status: criteria provided, multiple submitters, no conflicts (2 of 4 stars). 3 submissions from 3 submitters: Uncertain significance (2). 1 of the submissions does not count toward it. Last evaluated 2021-08-24.

Conditions:
Inborn genetic diseases. Identifiers: MedGen C0950123, MeSH D030342.
Charcot-Marie-Tooth disease type 4. Also called: Charcot-Marie-Tooth disease, type IV; Charcot-Marie-Tooth, Type 4. Identifiers: Orphanet 64749, MedGen C4082197, MONDO:0018995.
Charcot-Marie-Tooth disease type 4D. Also called: CHARCOT-MARIE-TOOTH DISEASE, DEMYELINATING, TYPE 4D; NEUROPATHY, HEREDITARY MOTOR AND SENSORY, LOM TYPE; CHARCOT-MARIE-TOOTH DISEASE, DEMYELINATING, AUTOSOMAL RECESSIVE, TYPE 4D; Charcot-Marie-Tooth Neuropathy Type 4D. Identifiers: Orphanet 99950, MedGen C1832334, MONDO:0011085, OMIM 601455.

Allele frequency attached by ClinVar (database versions not stated): ExAC 0.00001; gnomAD 0.00001 and 0.00002; gnomAD exomes 0.00001; TOPMed 0.00001; 1000 Genomes Project 30x 0.00016; 1000 Genomes Project 0.00020.

Submissions (3):

Labcorp Genetics (formerly Invitae), Labcorp
Classification: Uncertain significance for Charcot-Marie-Tooth disease type 4. Last evaluated: 2021-08-24. Review status: criteria provided, single submitter. Criteria: Invitae Variant Classification Sherloc (09022015). Collection method: clinical testing. Allele origin: germline.
Comment: This sequence change replaces arginine with tryptophan at codon 3 of the NDRG1 protein (p.Arg3Trp). The arginine residue is weakly conserved and there is a moderate physicochemical difference between arginine and tryptophan. This variant is present in population databases (rs537161398, ExAC 0.006%). This variant has not been reported in the literature in individuals affected with NDRG1-related conditions. Algorithms developed to predict the effect of missense changes on protein structure and function are either unavailable or do not agree on the potential impact of this missense change (SIFT: "Deleterious"; PolyPhen-2: "Possibly Damaging"; Align-GVGD: "Class C0"). In summary, the available evidence is currently insufficient to determine the role of this variant in disease. Therefore, it has been classified as a Variant of Uncertain Significance.

Ambry Genetics
Classification: Uncertain significance for Inborn genetic diseases. Last evaluated: 2020-10-20. Review status: criteria provided, single submitter. Criteria: Ambry Variant Classification Scheme 2023. Collection method: clinical testing. Allele origin: germline.
Comment: The p.R3W variant (also known as c.7C>T), located in coding exon 1 of the NDRG1 gene, results from a C to T substitution at nucleotide position 7. The arginine at codon 3 is replaced by tryptophan, an amino acid with dissimilar properties. This amino acid position is highly conserved in available vertebrate species. In addition, this alteration is predicted to be tolerated by in silico analysis. Since supporting evidence is limited at this time, the clinical significance of this alteration remains unclear.

Natera, Inc.
Classification: Uncertain significance for Charcot-Marie-Tooth disease type 4D. Last evaluated: 2020-06-15. Review status: no assertion criteria provided. Collection method: clinical testing. Allele origin: germline. Not counted in ClinVar's aggregate classification.

NM_006096.4(NDRG1):c.7C>T (p.Arg3Trp)

Gene: NDRG1 (N-myc downstream regulated 1; minus strand). Cytogenetic location: 8q24.22.
Variant type: single nucleotide variant.
Coding change: c.7C>T on transcript NM_006096.4 (MANE Select); coding-DNA position 7, C replaced by T.
Protein change: p.Arg3Trp; replaces arginine 3 with tryptophan.
Molecular consequence: missense variant. On other transcripts: 5 prime UTR variant (1), intron variant (2).
Genome position (GRCh38, 1-based): chr8:133,284,305, G>A on the plus strand (C>T on the coding strand, the complement: NDRG1 is on the minus strand). VCF-style: chr8-133284305-G-A. GRCh37 (hg19) VCF-style: chr8-134296548-G-A.
Other names: c.7C>T, p.Arg3Trp (NM_001135242.2, NM_001374844.1, NM_001374845.1 and 1 more transcripts); c.-131C>T (NM_001258433.2); c.-100+12829C>T (NM_001258432.2); c.-135-4038C>T (NM_001374847.1); short protein forms R3W.
Identifiers: ClinVar variation 967895 (VCV000967895.9), dbSNP rs537161398, ClinGen allele CA4886948.